The following is an entry in ClinVar:

ClinVar aggregate classification (germline): Uncertain significance. Review status: criteria provided, multiple submitters, no conflicts (2 of 4 stars). 4 submissions from 4 submitters: Uncertain significance (4). Last evaluated 2024-10-24.

Conditions:
Hereditary cancer-predisposing syndrome. Also called: Neoplastic Syndromes, Hereditary; Tumor predisposition; Hereditary neoplastic syndrome; Hereditary Cancer Syndrome. Identifiers: Orphanet 140162, MedGen C0027672, MeSH D009386, MONDO:0015356.
Familial cancer of breast. Also called: BREAST CANCER, FAMILIAL; Hereditary breast cancer; hereditary breast carcinoma. Identifiers: Orphanet 227535, MedGen C0346153, MONDO:0016419, OMIM 114480. Disease mechanism: loss of function.

Submissions (4):

Molecular Diagnostics Laboratory, Catalan Institute of Oncology
Classification: Uncertain significance for Hereditary cancer-predisposing syndrome. Last evaluated: 2024-10-24. Review status: criteria provided, single submitter. Criteria: ACMG Guidelines, 2015. Collection method: clinical testing. Allele origin: germline.
Comment: PM2_Supporting c.638C>T, located in exon 5 of the CHEK2 gene, is predicted to result in the substitution of Pro by Leu at codon 213, p.(Pro213Leu). It is not present in the population database gnomAD v2.1.1, non cancer dataset (PM2_Supporting). The SpliceAI algorithm predicts no significant impact on splicing and the REVEL meta-predictor score (0,5) for this variant is indeterminate regarding the effect that it may have on protein function according Pejaver 2022 thresholds (PMID: 36413997). To our knowledge, neither clinical data nor functional studies have been reported for this variant. At present ClinVar does not describe pathogenic or likely pathogenic missense variants in this codon. This variant has been reported in the ClinVar database (3x uncertain significance) but not in the LOVD database. Based on currently available information, the variant c.638C>T should be considered an uncertain significance variant.

Color Diagnostics, LLC DBA Color Health
Classification: Uncertain significance for Hereditary cancer-predisposing syndrome. Last evaluated: 2023-12-04. Review status: criteria provided, single submitter. Criteria: ACMG Guidelines, 2015. Collection method: clinical testing. Allele origin: germline.
Comment: This missense variant replaces proline with leucine at codon 213 of the CHEK2 protein. Computational prediction is inconclusive regarding the impact of this variant on protein structure and function (internally defined REVEL score threshold 0.5 < inconclusive < 0.7, PMID: 27666373). To our knowledge, functional studies have not been reported for this variant. This variant has not been reported in individuals affected with CHEK2-related disorders in the literature. This variant has not been identified in the general population by the Genome Aggregation Database (gnomAD). The available evidence is insufficient to determine the role of this variant in disease conclusively. Therefore, this variant is classified as a Variant of Uncertain Significance.

Labcorp Genetics (formerly Invitae), Labcorp
Classification: Uncertain significance for Familial cancer of breast. Last evaluated: 2023-08-30. Review status: criteria provided, single submitter. Criteria: Invitae Variant Classification Sherloc (09022015). Collection method: clinical testing. Allele origin: germline.
Comment: This sequence change replaces proline, which is neutral and non-polar, with leucine, which is neutral and non-polar, at codon 213 of the CHEK2 protein (p.Pro213Leu). In summary, the available evidence is currently insufficient to determine the role of this variant in disease. Therefore, it has been classified as a Variant of Uncertain Significance. An algorithm developed to predict the effect of missense changes on protein structure and function (PolyPhen-2) suggests that this variant is likely to be disruptive. ClinVar contains an entry for this variant (Variation ID: 629272). This variant has not been reported in the literature in individuals affected with CHEK2-related conditions. This variant is not present in population databases (gnomAD no frequency).

Ambry Genetics
Classification: Uncertain significance for Hereditary cancer-predisposing syndrome. Last evaluated: 2021-03-31. Review status: criteria provided, single submitter. Criteria: Ambry Variant Classification Scheme 2023. Collection method: clinical testing. Allele origin: germline.
Comment: The p.P213L variant (also known as c.638C>T), located in coding exon 4 of the CHEK2 gene, results from a C to T substitution at nucleotide position 638. The proline at codon 213 is replaced by leucine, an amino acid with similar properties. This amino acid position is highly conserved in available vertebrate species. In addition, the in silico prediction for this alteration is inconclusive. Since supporting evidence is limited at this time, the clinical significance of this alteration remains unclear.

NM_007194.4(CHEK2):c.638C>T (p.Pro213Leu)

Gene: CHEK2 (checkpoint kinase 2; minus strand). Cytogenetic location: 22q12.1.
Variant type: single nucleotide variant.
Coding change: c.638C>T on transcript NM_007194.4 (MANE Select); coding-DNA position 638, C replaced by T.
Protein change: p.Pro213Leu; replaces proline 213 with leucine.
Molecular consequence: missense variant. On other transcripts: 5 prime UTR variant (2), intron variant (1).
Genome position (GRCh38, 1-based): chr22:28,719,440, G>A on the plus strand (C>T on the coding strand, the complement: CHEK2 is on the minus strand). VCF-style: chr22-28719440-G-A. GRCh37 (hg19) VCF-style: chr22-29115428-G-A.
Other names: c.767C>T, p.Pro256Leu (NM_001005735.3, NM_001438294.1); c.-26C>T (NM_001257387.3, NM_001437942.1); c.731C>T, p.Pro244Leu (NM_001438293.1, NM_001438295.1); c.638C>T, p.Pro213Leu (NM_145862.3); c.482+5446C>T (NM_001349956.3); short protein forms P213L, P256L, P244L.
Identifiers: ClinVar variation 629272 (VCV000629272.16), dbSNP rs1569149890, ClinGen allele CA411105013.